The following is an entry in ClinVar:

NM_001999.4(FBN2):c.7013-7T>A

Gene: FBN2 (fibrillin 2; minus strand). Cytogenetic location: 5q23.3.
Variant type: single nucleotide variant.
Coding change: c.7013-7T>A on transcript NM_001999.4 (MANE Select); 7 bases into the intron before coding-DNA position 7013, T replaced by A.
Molecular consequence: intron variant.
Genome position (GRCh38, 1-based): chr5:128,280,324, A>T on the plus strand (T>A on the coding strand, the complement: FBN2 is on the minus strand). VCF-style: chr5-128280324-A-T. GRCh37 (hg19) VCF-style: chr5-127616016-A-T.
Identifiers: ClinVar variation 137348 (VCV000137348.14), dbSNP rs191729449, ClinGen allele CA290891.

ClinVar aggregate classification (germline): Benign/Likely benign. Review status: criteria provided, multiple submitters, no conflicts (2 of 4 stars). 4 submissions from 4 submitters: Benign (2); Likely benign (2). Last evaluated 2026-02-02.

Conditions:
Congenital contractural arachnodactyly (CCA). Also called: Beals-Hecht syndrome; Arthrogryposis, distal, type 9; BEALS SYNDROME. Identifiers: Orphanet 115, MedGen C0220668, MONDO:0007363, OMIM 121050.

Allele frequency attached by ClinVar (database versions not stated): TOPMed 0.00010; 1000 Genomes Project 0.00020; gnomAD 0.00022; 1000 Genomes Project 30x 0.00031.
gnomAD v4.1: 57 of 1,602,862 alleles (0.0036%); highest among the groups gnomAD compares: East Asian, 0.063%; no homozygotes.

Submissions (4):

Labcorp Genetics (formerly Invitae), Labcorp
Classification: Benign for Congenital contractural arachnodactyly. Last evaluated: 2026-02-02. Review status: criteria provided, single submitter. Criteria: Invitae Variant Classification Sherloc (09022015). Collection method: clinical testing. Allele origin: germline.

Blueprint Genetics
Classification: Likely benign. Last evaluated: 2024-06-18. Review status: criteria provided, single submitter. Criteria: ACMG Guidelines, 2015. Collection method: clinical testing. Allele origin: germline.

ARUP Laboratories, Molecular Genetics and Genomics, ARUP Laboratories
Classification: Likely benign. Last evaluated: 2023-11-21. Review status: criteria provided, single submitter. Criteria: ARUP Molecular Germline Variant Investigation Process 2024. Collection method: clinical testing. Allele origin: germline.

GeneDx
Classification: Benign. Last evaluated: 2014-04-08. Review status: criteria provided, single submitter. Criteria: GeneDx Variant Classification (06012015). Collection method: clinical testing. Allele origin: germline. Affected: yes.
Comment: This variant is considered likely benign or benign based on one or more of the following criteria: it is a conservative change, it occurs at a poorly conserved position in the protein, it is predicted to be benign by multiple in silico algorithms, and/or has population frequency not consistent with disease.